The following is an entry in ClinVar:

ClinVar aggregate classification (germline): Uncertain significance (1 of 4 stars; one submission).

Conditions:
Hereditary cancer-predisposing syndrome. Also called: Neoplastic Syndromes, Hereditary; Tumor predisposition; Hereditary Cancer Syndrome; Hereditary neoplastic syndrome. Identifiers: Orphanet 140162, MedGen C0027672, MeSH D009386, MONDO:0015356.

Submission:

Ambry Genetics
Classification: Uncertain significance for Hereditary cancer-predisposing syndrome. Last evaluated: 2023-12-31. Review status: criteria provided, single submitter. Criteria: Ambry Variant Classification Scheme 2023. Collection method: clinical testing. Allele origin: germline.
Comment: The p.T3374S variant (also known as c.10120A>T), located in coding exon 26 of the BRCA2 gene, results from an A to T substitution at nucleotide position 10120. The threonine at codon 3374 is replaced by serine, an amino acid with similar properties. This amino acid position is not well conserved in available vertebrate species. In addition, this alteration is predicted to be tolerated by in silico analysis. Since supporting evidence is limited at this time, the clinical significance of this alteration remains unclear.

NM_000059.4(BRCA2):c.10120A>T (p.Thr3374Ser)

Gene: BRCA2 (BRCA2 DNA repair associated; plus strand). Cytogenetic location: 13q13.1.
Variant type: single nucleotide variant.
Coding change: c.10120A>T on transcript NM_000059.4 (MANE Select); coding-DNA position 10120, A replaced by T.
Protein change: p.Thr3374Ser; replaces threonine 3374 with serine.
Molecular consequence: missense variant.
Genome position (GRCh38, 1-based): chr13:32,398,633, A>T. VCF-style: chr13-32398633-A-T. GRCh37 (hg19) VCF-style: chr13-32972770-A-T.
Other names: c.10024A>T, p.Thr3342Ser (NM_001406719.1); c.10069A>T, p.Thr3357Ser (NM_001406720.1); c.5188A>T, p.Thr1730Ser (NM_001406721.1); c.3703A>T, p.Thr1235Ser (NM_001406722.1); short protein forms T1235S, T3342S, T3357S, T1730S, T3374S.
Identifiers: ClinVar variation 1732110 (VCV001732110.2), dbSNP rs80358395, ClinGen allele CA387768063.
Genomic context (GRCh38, chr13:32,398,633, plus strand): 5'-TCTGGTTCAACAGGAGAAAAACAATTTATATCTGTCAGTGAATCCACTAGGACTGCTCCC[A>T]CCAGTTCAGAAGATTATCTCAGACTGAAACGACGTTGTACTACATCTCTGATCAAAGAAC-3'
Protein context (NP_000050.3, residues 3364-3384): SVSESTRTAP[Thr3374Ser]SSEDYLRLKR